The following is an entry in ClinVar:

NM_000368.5(TSC1):c.1064T>C (p.Met355Thr)

Gene: TSC1 (TSC complex subunit 1; minus strand). Cytogenetic location: 9q34.13.
Variant type: single nucleotide variant.
Coding change: c.1064T>C on transcript NM_000368.5 (MANE Select); coding-DNA position 1064, T replaced by C.
Protein change: p.Met355Thr; replaces methionine 355 with threonine.
Molecular consequence: missense variant. On other transcripts: non-coding transcript variant (5).
Genome position (GRCh38, 1-based): chr9:132,911,079, A>G on the plus strand (T>C on the coding strand, the complement: TSC1 is on the minus strand). VCF-style: chr9-132911079-A-G. GRCh37 (hg19) VCF-style: chr9-135786466-A-G.
Other names: c.1064T>C, p.Met355Thr (NM_001406608.1, NM_001406609.1, NM_001162426.2 and 16 more transcripts); c.911T>C, p.Met304Thr (NM_001406610.1, NM_001406611.1, NM_001406612.1 and 2 more transcripts); c.701T>C, p.Met234Thr (NM_001406614.1, NM_001406615.1, NM_001406616.1 and 10 more transcripts); c.113T>C, p.Met38Thr (NM_001406626.1, NM_001406627.1, NM_001406628.1); c.14T>C, p.Met5Thr (NM_001406629.1, NM_001406630.1); short protein forms M234T, M304T, M355T, M38T, M5T.
Identifiers: ClinVar variation 4771458 (VCV004771458.1).

ClinVar aggregate classification (germline): Uncertain significance (1 of 4 stars; one submission).

Conditions:
Tuberous sclerosis 1 (TSC1). Identifiers: Orphanet 805, MedGen C1854465, MONDO:0008612, OMIM 191100.

Submission:

Labcorp Genetics (formerly Invitae), Labcorp
Classification: Uncertain significance for Tuberous sclerosis 1. Last evaluated: 2025-02-05. Review status: criteria provided, single submitter. Criteria: Invitae Variant Classification Sherloc (09022015). Collection method: clinical testing. Allele origin: germline.
Comment: This sequence change replaces methionine, which is neutral and non-polar, with threonine, which is neutral and polar, at codon 355 of the TSC1 protein (p.Met355Thr). This variant is not present in population databases (gnomAD no frequency). This variant has not been reported in the literature in individuals affected with TSC1-related conditions. Invitae Evidence Modeling of protein sequence and biophysical properties (such as structural, functional, and spatial information, amino acid conservation, physicochemical variation, residue mobility, and thermodynamic stability) indicates that this missense variant is not expected to disrupt TSC1 protein function with a negative predictive value of 95%. In summary, the available evidence is currently insufficient to determine the role of this variant in disease. Therefore, it has been classified as a Variant of Uncertain Significance.